The following is an entry in ClinVar:

ClinVar aggregate classification (germline): Uncertain significance. Review status: criteria provided, multiple submitters, no conflicts (2 of 4 stars). 2 submissions from 2 submitters: Uncertain significance (2). Last evaluated 2025-02-23.

Conditions:
Intellectual developmental disorder, autosomal dominant 1. Also called: MBD5 Haploinsufficiency; Intellectual disability, autosomal dominant 1. Identifiers: Orphanet 228402, MedGen C1969562, MONDO:0007974, OMIM 156200.

gnomAD v4.1: 1 of 1,612,812 alleles (0.000062%); highest among the groups gnomAD compares: Non-Finnish European, 0.000085%; no homozygotes.

Submissions (2):

GeneDx
Classification: Uncertain significance. Last evaluated: 2025-02-23. Review status: criteria provided, single submitter. Criteria: GeneDx Variant Classification Process June 2021. Collection method: clinical testing. Allele origin: germline. Affected: yes.
Comment: Not observed at significant frequency in large population cohorts (gnomAD); In silico analysis indicates that this missense variant does not alter protein structure/function; Has not been previously published as pathogenic or benign to our knowledge

Labcorp Genetics (formerly Invitae), Labcorp
Classification: Uncertain significance for Intellectual developmental disorder, autosomal dominant 1. Last evaluated: 2024-10-08. Review status: criteria provided, single submitter. Criteria: Invitae Variant Classification Sherloc (09022015). Collection method: clinical testing. Allele origin: germline.
Comment: This sequence change replaces alanine, which is neutral and non-polar, with valine, which is neutral and non-polar, at codon 1456 of the MBD5 protein (p.Ala1456Val). This variant is present in population databases (rs767414634, gnomAD 0.0009%). This variant has not been reported in the literature in individuals affected with MBD5-related conditions. Experimental studies and prediction algorithms are not available or were not evaluated, and the functional significance of this variant is currently unknown. In summary, the available evidence is currently insufficient to determine the role of this variant in disease. Therefore, it has been classified as a Variant of Uncertain Significance.

NM_001378120.1(MBD5):c.5066C>T (p.Ala1689Val)

Gene: MBD5 (methyl-CpG binding domain protein 5; plus strand). Cytogenetic location: 2q23.1.
Variant type: single nucleotide variant.
Coding change: c.5066C>T on transcript NM_001378120.1 (MANE Select); coding-DNA position 5066, C replaced by T.
Protein change: p.Ala1689Val; replaces alanine 1689 with valine.
Molecular consequence: missense variant.
Genome position (GRCh38, 1-based): chr2:148,510,089, C>T. VCF-style: chr2-148510089-C-T. GRCh37 (hg19) VCF-style: chr2-149267658-C-T.
Other names: c.4367C>T, p.Ala1456Val (NM_018328.5); c.4367C>T (NM_018328.4); short protein forms A1456V, A1689V.
Identifiers: ClinVar variation 3628865 (VCV003628865.3).